The following is an entry in ClinVar:

ClinVar aggregate classification (germline): Uncertain significance (1 of 4 stars; one submission).

Conditions:
Neuronopathy, distal hereditary motor, autosomal recessive 4. Also called: Autosomal recessive lower motor neuron disease with childhood onset; NEUROPATHY, DISTAL HEREDITARY MOTOR, AUTOSOMAL RECESSIVE 4. Identifiers: Orphanet 206580, MedGen C1970211, MONDO:0012608, OMIM 611067.
Charcot-Marie-Tooth disease recessive intermediate C. Also called: CHARCOT-MARIE-TOOTH NEUROPATHY, RECESSIVE INTERMEDIATE C. Identifiers: Orphanet 369867, MedGen C3809309, MONDO:0014154, OMIM 615376.

Allele frequency attached by ClinVar (database versions not stated): gnomAD 0.00001; gnomAD exomes 0.00002 and 0.00004; TOPMed 0.00002; ExAC 0.00006.
gnomAD v4.1: 14 of 1,613,736 alleles (0.00087%); highest among the groups gnomAD compares: Admixed American, 0.023%; no homozygotes.

Submission:

Labcorp Genetics (formerly Invitae), Labcorp
Classification: Uncertain significance for Neuronopathy, distal hereditary motor, autosomal recessive 4; Charcot-Marie-Tooth disease recessive intermediate C. Last evaluated: 2022-02-20. Review status: criteria provided, single submitter. Criteria: Invitae Variant Classification Sherloc (09022015). Collection method: clinical testing. Allele origin: germline.
Comment: This sequence change falls in intron 17 of the PLEKHG5 gene. It does not directly change the encoded amino acid sequence of the PLEKHG5 protein. It affects a nucleotide within the consensus splice site. This variant is present in population databases (rs754759840, gnomAD 0.04%). This variant has not been reported in the literature in individuals affected with PLEKHG5-related conditions. Variants that disrupt the consensus splice site are a relatively common cause of aberrant splicing (PMID: 17576681, 9536098). Algorithms developed to predict the effect of sequence changes on RNA splicing suggest that this variant is not likely to affect RNA splicing. In summary, the available evidence is currently insufficient to determine the role of this variant in disease. Therefore, it has been classified as a Variant of Uncertain Significance.

Literature cited by the submitters: PubMed 17576681; PubMed 9536098.

NM_020631.6(PLEKHG5):c.1933+4A>G

Gene: PLEKHG5 (pleckstrin homology and RhoGEF domain containing G5; minus strand). Cytogenetic location: 1p36.31.
Variant type: single nucleotide variant.
Coding change: c.1933+4A>G on transcript NM_020631.6 (MANE Select); 4 bases into the intron after coding-DNA position 1933, A replaced by G.
Molecular consequence: intron variant.
Genome position (GRCh38, 1-based): chr1:6,469,540, T>C on the plus strand (A>G on the coding strand, the complement: PLEKHG5 is on the minus strand). VCF-style: chr1-6469540-T-C. GRCh37 (hg19) VCF-style: chr1-6529600-T-C.
Other names: c.1933+4A>G (NM_198681.4, NM_001265594.3, NM_001042664.2 and 1 more transcripts); c.2044+4A>G (NM_001042663.3, NM_001265592.2); c.2140+4A>G (NM_001265593.2).
Identifiers: ClinVar variation 1366018 (VCV001366018.3), dbSNP rs754759840, ClinGen allele CA561314.